The following is an entry in ClinVar:

NM_020207.7(ERCC6L2):c.1232T>G (p.Leu411Trp)

Gene: ERCC6L2 (ERCC excision repair 6 like 2; plus strand). Cytogenetic location: 9q22.32.
Variant type: single nucleotide variant.
Coding change: c.1232T>G on transcript NM_020207.7 (MANE Select); coding-DNA position 1232, T replaced by G.
Protein change: p.Leu411Trp; replaces leucine 411 with tryptophan.
Molecular consequence: missense variant. On other transcripts: non-coding transcript variant (1).
Genome position (GRCh38, 1-based): chr9:95,921,248, T>G. VCF-style: chr9-95921248-T-G. GRCh37 (hg19) VCF-style: chr9-98683530-T-G.
Other names: c.1232T>G, p.Leu411Trp (NM_001010895.4, NM_001375291.1, NM_001375292.1 and 2 more transcripts); short protein forms L411W.
Identifiers: ClinVar variation 4019257 (VCV004019257.1).

ClinVar aggregate classification (germline): Uncertain significance (1 of 4 stars; one submission).

Conditions:
Inborn genetic diseases. Identifiers: MedGen C0950123, MeSH D030342.

Submission:

Ambry Genetics
Classification: Uncertain significance for Inborn genetic diseases. Last evaluated: 2025-03-22. Review status: criteria provided, single submitter. Criteria: Ambry Variant Classification Scheme 2023. Collection method: clinical testing. Allele origin: germline.
Comment: The p.L411W variant (also known as c.1232T>G), located in coding exon 7 of the ERCC6L2 gene, results from a T to G substitution at nucleotide position 1232. The leucine at codon 411 is replaced by tryptophan, an amino acid with similar properties. This amino acid position is conserved. In addition, this alteration is predicted to be deleterious by in silico analysis. Based on the available evidence, the clinical significance of this variant remains unclear.